The following is an entry in ClinVar:

ClinVar aggregate classification (germline): Uncertain significance (1 of 4 stars; one submission).

Conditions:
Chédiak-Higashi syndrome (CHS). Also called: Chediak-Higashi Syndrome. Identifiers: Orphanet 167, MedGen C0007965, MONDO:0008963, OMIM 214500.

Allele frequency attached by ClinVar (database versions not stated): ExAC 0.00001; gnomAD 0.00001; gnomAD exomes 0.00001; TOPMed 0.00002; ESP Exome Variant Server 0.00008.
gnomAD v4.1: 16 of 1,613,840 alleles (0.00099%); highest among the groups gnomAD compares: African/African-American, 0.0013%; no homozygotes.

Submission:

Labcorp Genetics (formerly Invitae), Labcorp
Classification: Uncertain significance for Chédiak-Higashi syndrome. Last evaluated: 2022-08-23. Review status: criteria provided, single submitter. Criteria: Invitae Variant Classification Sherloc (09022015). Collection method: clinical testing. Allele origin: germline.
Comment: This sequence change replaces serine, which is neutral and polar, with phenylalanine, which is neutral and non-polar, at codon 507 of the LYST protein (p.Ser507Phe). This variant is present in population databases (rs371185792, gnomAD 0.002%). This variant has not been reported in the literature in individuals affected with LYST-related conditions. ClinVar contains an entry for this variant (Variation ID: 1008449). Algorithms developed to predict the effect of missense changes on protein structure and function are either unavailable or do not agree on the potential impact of this missense change (SIFT: "Deleterious"; PolyPhen-2: "Probably Damaging"; Align-GVGD: "Class C0"). In summary, the available evidence is currently insufficient to determine the role of this variant in disease. Therefore, it has been classified as a Variant of Uncertain Significance.

NM_000081.4(LYST):c.1520C>T (p.Ser507Phe)

Gene: LYST (lysosomal trafficking regulator; minus strand). Cytogenetic location: 1q42.3.
Variant type: single nucleotide variant.
Coding change: c.1520C>T on transcript NM_000081.4 (MANE Select); coding-DNA position 1520, C replaced by T.
Protein change: p.Ser507Phe; replaces serine 507 with phenylalanine.
Molecular consequence: missense variant.
Genome position (GRCh38, 1-based): chr1:235,809,298, G>A on the plus strand (C>T on the coding strand, the complement: LYST is on the minus strand). VCF-style: chr1-235809298-G-A. GRCh37 (hg19) VCF-style: chr1-235972598-G-A.
Other names: c.1520C>T, p.Ser507Phe (NM_001301365.1); short protein forms S507F.
Identifiers: ClinVar variation 1008449 (VCV001008449.4), dbSNP rs371185792, ClinGen allele CA1467458.
Genomic context (GRCh38, chr1:235,809,298, plus strand): 5'-TGGTTTTTAAAAGCCGAAACCAGAAGACCTGAGAGATCTCGGTGATGATGCATAAAATGA[G>A]AATATTCACATCGTCTGTGCCTTTTTCTTGTACACATCGAATGATGAAGTTGCTCTGATT-3'
Protein context (NP_000072.2, residues 497-517): TRKRHRRCEY[Ser507Phe]HFMHHHRDLS